The following is an entry in ClinVar:

NM_020937.4(FANCM):c.2161-1G>A

Gene: FANCM (FA complementation group M; plus strand). Cytogenetic location: 14q21.2.
Variant type: single nucleotide variant.
Coding change: c.2161-1G>A on transcript NM_020937.4 (MANE Select); the canonical splice acceptor site of the intron before coding-DNA position 2161, G replaced by A.
Molecular consequence: splice acceptor variant.
Genome position (GRCh38, 1-based): chr14:45,173,054, G>A. VCF-style: chr14-45173054-G-A. GRCh37 (hg19) VCF-style: chr14-45642257-G-A.
Other names: c.2083-1G>A (NM_001308133.2).
Identifiers: ClinVar variation 3340908 (VCV003340908.1).

ClinVar aggregate classification (germline): Likely pathogenic (1 of 4 stars; one submission).

gnomAD v4.1: 2 of 1,599,820 alleles (0.00013%); highest among the groups gnomAD compares: Admixed American, 0.0017%; no homozygotes.

Submission:

GeneDx
Classification: Likely pathogenic. Last evaluated: 2024-02-07. Review status: criteria provided, single submitter. Criteria: GeneDx Variant Classification Process June 2021. Collection method: clinical testing. Allele origin: germline. Affected: yes.
Comment: Canonical splice site variant demonstrated to result in aberrant splicing resulting in a null allele in a gene for which loss of function is a known mechanism of disease (PMID: 30306255); Observed in an individual with early-onset breast cancer (PMID: 30306255); Not observed at significant frequency in large population cohorts (gnomAD); This variant is associated with the following publications: (PMID: 34771502, 30306255)